The following is an entry in ClinVar:

ClinVar aggregate classification (germline): Likely benign (1 of 4 stars; one submission).

Allele frequency attached by ClinVar (database versions not stated): gnomAD exomes below 0.00001.
gnomAD v4.1: 1 of 1,543,786 alleles (0.000065%); highest among the groups gnomAD compares: Non-Finnish European, 0.000088%; no homozygotes.

Submission:

GeneDx
Classification: Likely benign. Last evaluated: 2017-06-30. Review status: criteria provided, single submitter. Criteria: GeneDx Variant Classification (06012015). Collection method: clinical testing. Allele origin: germline. Affected: yes.
Comment: This variant is considered likely benign or benign based on one or more of the following criteria: it is a conservative change, it occurs at a poorly conserved position in the protein, it is predicted to be benign by multiple in silico algorithms, and/or has population frequency not consistent with disease.

NM_001271.4(CHD2):c.1809+13T>C

Gene: CHD2 (chromodomain helicase DNA binding protein 2; plus strand). Cytogenetic location: 15q26.1.
Variant type: single nucleotide variant.
Coding change: c.1809+13T>C on transcript NM_001271.4 (MANE Select); 13 bases into the intron after coding-DNA position 1809, T replaced by C.
Molecular consequence: intron variant.
Genome position (GRCh38, 1-based): chr15:92,955,525, T>C. VCF-style: chr15-92955525-T-C. GRCh37 (hg19) VCF-style: chr15-93498755-T-C.
Identifiers: ClinVar variation 510499 (VCV000510499.1), dbSNP rs1555440769, ClinGen allele CA658798438.